The following is an entry in ClinVar:

NM_003482.4(KMT2D):c.14749C>T (p.Pro4917Ser)

Gene: KMT2D (lysine methyltransferase 2D; minus strand). Cytogenetic location: 12q13.12.
Variant type: single nucleotide variant.
Coding change: c.14749C>T on transcript NM_003482.4 (MANE Select); coding-DNA position 14749, C replaced by T.
Protein change: p.Pro4917Ser; replaces proline 4917 with serine.
Molecular consequence: missense variant.
Genome position (GRCh38, 1-based): chr12:49,027,217, G>A on the plus strand (C>T on the coding strand, the complement: KMT2D is on the minus strand). VCF-style: chr12-49027217-G-A. GRCh37 (hg19) VCF-style: chr12-49421000-G-A.
Other names: short protein forms P4917S.
Identifiers: ClinVar variation 134728 (VCV000134728.1), dbSNP rs587778485, ClinGen allele CA160627.

ClinVar aggregate classification (germline): not provided (0 of 4 stars; one submission).

Allele frequency attached by ClinVar (database versions not stated): gnomAD exomes below 0.00001; gnomAD 0.00001.
gnomAD v4.1: 4 of 1,543,118 alleles (0.00026%); highest among the groups gnomAD compares: African/African-American, 0.0028%; no homozygotes.

Submission:

ITMI
No classification provided. Condition: AllHighlyPenetrant. Last evaluated: 2013-09-19. Review status: no classification provided. Collection method: reference population. Allele origin: germline.
Comment: Please see associated publication for description of ethnicities

Literature cited by the submitters: PubMed 24728327.